The following is an entry in ClinVar:

ClinVar aggregate classification (germline): Likely pathogenic (1 of 4 stars; one submission).

Conditions:
Familial dysautonomia. Also called: HSAN III; FD. Identifiers: Orphanet 1764, MedGen C0013364, MONDO:0009131, OMIM 223900. Disease mechanism: loss of function.

Submission:

Natera, Inc.
Classification: Likely pathogenic for Familial dysautonomia. Last evaluated: 2026-01-26. Review status: criteria provided, single submitter. Criteria: Natera Variant Classification Schema (03/2026). Collection method: clinical testing. Allele origin: germline.
Comment: The c.3109C>T variant in ELP1 is a nonsense variant predicted to introduce a stop codon at amino acid 1037. This variant is expected to result in nonsense mediated decay, truncation, or a dysfunctional protein product. This variant is rare in the general population with a frequency below the threshold expected for the associated phenotype(s). Given the available evidence, this variant is classified as Likely Pathogenic.

NM_003640.5(ELP1):c.3109C>T (p.Gln1037Ter)

Gene: ELP1 (elongator acetyltransferase complex subunit 1; minus strand). Cytogenetic location: 9q31.3.
Variant type: single nucleotide variant.
Coding change: c.3109C>T on transcript NM_003640.5 (MANE Select); coding-DNA position 3109, C replaced by T.
Protein change: p.Gln1037Ter; replaces glutamine 1037 with a stop codon.
Molecular consequence: nonsense.
Genome position (GRCh38, 1-based): chr9:108,891,254, G>A on the plus strand (C>T on the coding strand, the complement: ELP1 is on the minus strand). VCF-style: chr9-108891254-G-A. GRCh37 (hg19) VCF-style: chr9-111653534-G-A.
Other names: c.2767C>T, p.Gln923Ter (NM_001318360.2); c.2062C>T, p.Gln688Ter (NM_001330749.2); short protein forms Q1037*, Q688*, Q923*.
Identifiers: ClinVar variation 4815218 (VCV004815218.1).